The following is an entry in ClinVar:

NM_001170700.3(DTHD1):c.1902C>A (p.Cys634Ter)

Gene: DTHD1 (death domain containing 1; plus strand). Cytogenetic location: 4p14.
Variant type: single nucleotide variant.
Coding change: c.1902C>A on transcript NM_001170700.3 (MANE Select); coding-DNA position 1902, C replaced by A.
Protein change: p.Cys634Ter; replaces cysteine 634 with a stop codon.
Molecular consequence: nonsense. On other transcripts: non-coding transcript variant (2).
Genome position (GRCh38, 1-based): chr4:36,308,300, C>A. VCF-style: chr4-36308300-C-A. GRCh37 (hg19) VCF-style: chr4-36309922-C-A.
Other names: c.1032C>A, p.Cys344Ter (NM_001136536.5); c.969C>A, p.Cys323Ter (NM_001378435.1); short protein forms C323*, C344*, C634*.
Identifiers: ClinVar variation 1345806 (VCV001345806.6), dbSNP rs942783392, ClinGen allele CA95783920.
Genomic context (GRCh38, chr4:36,308,300, plus strand): 5'-TAGTCATTTGGTTACTTTTGTGAAATCTTTAGAGGAAGCCATGCTCAGCACCACTGCCTG[C>A]ATAGTACTGTCTCACCAGAAGGACAATCCACATAGAATAGCTGTTTTAGTGGTGCCTTCC-3'

ClinVar aggregate classification (germline): Uncertain significance (1 of 4 stars; one submission).

Allele frequency attached by ClinVar (database versions not stated): gnomAD exomes below 0.00001; TOPMed below 0.00001.

Submission:

Labcorp Genetics (formerly Invitae), Labcorp
Classification: Uncertain significance. Last evaluated: 2021-10-04. Review status: criteria provided, single submitter. Criteria: Invitae Variant Classification Sherloc (09022015). Collection method: clinical testing. Allele origin: germline.
Comment: In summary, the available evidence is currently insufficient to determine the role of this variant in disease. Therefore, it has been classified as a Variant of Uncertain Significance. This variant has not been reported in the literature in individuals affected with DTHD1-related conditions. This variant is not present in population databases (ExAC no frequency). This sequence change creates a premature translational stop signal (p.Cys344*) in the DTHD1 gene. It is expected to result in an absent or disrupted protein product. However, the current clinical and genetic evidence is not sufficient to establish whether loss-of-function variants in DTHD1 cause disease.